The following is an entry in ClinVar:

NM_000038.6(APC):c.5339C>A (p.Pro1780Gln)

Gene: APC (APC regulator of Wnt signaling pathway; plus strand). Cytogenetic location: 5q22.2.
Variant type: single nucleotide variant.
Coding change: c.5339C>A on transcript NM_000038.6 (MANE Select); coding-DNA position 5339, C replaced by A.
Protein change: p.Pro1780Gln; replaces proline 1780 with glutamine.
Molecular consequence: missense variant.
Genome position (GRCh38, 1-based): chr5:112,840,933, C>A. VCF-style: chr5-112840933-C-A. GRCh37 (hg19) VCF-style: chr5-112176630-C-A.
Other names: c.5339C>A, p.Pro1780Gln (NM_001127510.3, NM_001354895.2); c.5285C>A, p.Pro1762Gln (NM_001127511.3); c.5393C>A, p.Pro1798Gln (NM_001354896.2); c.5369C>A, p.Pro1790Gln (NM_001354897.2); c.5264C>A, p.Pro1755Gln (NM_001354898.2); c.5255C>A, p.Pro1752Gln (NM_001354899.2); c.5216C>A, p.Pro1739Gln (NM_001354900.2); c.5162C>A, p.Pro1721Gln (NM_001354901.2); and 5 more; short protein forms P1762Q, P1780Q, P1654Q, P1689Q, P1739Q, P1679Q, P1497Q, P1721Q.
Identifiers: ClinVar variation 246415 (VCV000246415.7), dbSNP rs879254248, ClinGen allele CA10584255.

ClinVar aggregate classification (germline): Uncertain significance. Review status: criteria provided, multiple submitters, no conflicts (2 of 4 stars). 4 submissions from 4 submitters: Uncertain significance (4). Last evaluated 2025-10-20.

Conditions:
Hereditary cancer-predisposing syndrome. Also called: Hereditary neoplastic syndrome; Neoplastic Syndromes, Hereditary; Tumor predisposition; Hereditary Cancer Syndrome. Identifiers: Orphanet 140162, MedGen C0027672, MeSH D009386, MONDO:0015356.
Familial adenomatous polyposis 1 (FAP1). Also called: FAMILIAL ADENOMATOUS POLYPOSIS 1, ATTENUATED; POLYPOSIS, ADENOMATOUS INTESTINAL. Identifiers: MedGen C2713442, MONDO:0021056, OMIM 175100. Disease mechanism: loss of function.

Submissions (4):

Color Diagnostics, LLC DBA Color Health
Classification: Uncertain significance for Hereditary cancer-predisposing syndrome. Last evaluated: 2025-10-20. Review status: criteria provided, single submitter. Criteria: ACMG Guidelines, 2015. Collection method: clinical testing. Allele origin: germline.
Comment: This missense variant replaces proline with glutamine at codon 1780 of the APC protein. Computational prediction suggests that this variant may not impact protein structure and function. APC is defined as a gene for which primarily truncating variants are known to cause disease (ClinGen HCCP VCEP). To our knowledge, functional studies have not been reported for this variant. This variant has not been reported in individuals affected with APC-related disorders in the literature. This variant has not been identified in the general population by the Genome Aggregation Database (gnomAD). The available evidence is insufficient to determine the role of this variant in disease conclusively. Therefore, this variant is classified as a Variant of Uncertain Significance.

Labcorp Genetics (formerly Invitae), Labcorp
Classification: Uncertain significance for Familial adenomatous polyposis 1. Last evaluated: 2025-03-02. Review status: criteria provided, single submitter. Criteria: Invitae Variant Classification Sherloc (09022015). Collection method: clinical testing. Allele origin: germline.
Comment: This sequence change replaces proline, which is neutral and non-polar, with glutamine, which is neutral and polar, at codon 1780 of the APC protein (p.Pro1780Gln). This variant is not present in population databases (gnomAD no frequency). This variant has not been reported in the literature in individuals affected with APC-related conditions. ClinVar contains an entry for this variant (Variation ID: 246415). Invitae Evidence Modeling of protein sequence and biophysical properties (such as structural, functional, and spatial information, amino acid conservation, physicochemical variation, residue mobility, and thermodynamic stability) indicates that this missense variant is not expected to disrupt APC protein function with a negative predictive value of 95%. In summary, the available evidence is currently insufficient to determine the role of this variant in disease. Therefore, it has been classified as a Variant of Uncertain Significance.

Ambry Genetics
Classification: Uncertain significance for Hereditary cancer-predisposing syndrome. Last evaluated: 2022-04-23. Review status: criteria provided, single submitter. Criteria: Ambry Variant Classification Scheme 2023. Collection method: clinical testing. Allele origin: germline.
Comment: The p.P1780Q variant (also known as c.5339C>A), located in coding exon 15 of the APC gene, results from a C to A substitution at nucleotide position 5339. The proline at codon 1780 is replaced by glutamine, an amino acid with similar properties. This amino acid position is conserved. In addition, in silico predictors for this gene do not accurately predict pathogenicity. Since supporting evidence is limited at this time, the clinical significance of this alteration remains unclear.

GeneDx
Classification: Uncertain significance. Last evaluated: 2016-02-12. Review status: criteria provided, single submitter. Criteria: GeneDx Variant Classification (06012015). Collection method: clinical testing. Allele origin: germline. Affected: yes.
Comment: This variant is denoted APC c.5339C>A at the cDNA level, p.Pro1780Gln (P1780Q) at the protein level, and results in the change of a Proline to a Glutamine (CCA>CAA). This variant has not, to our knowledge, been published in the literature as pathogenic or benign. APC Pro1780Gln was not observed in approximately 6,500 individuals of European and African American ancestry in the NHLBI Exome Sequencing Project, suggesting it is not a common benign variant in these populations. Since Proline and Glutamine differ in polarity, charge, size or other properties, this is considered a non-conservative amino acid substitution. APC Pro1780Gln occurs at a position that is conserved in mammals and is located within the 20-amino acid repeat beta-catenin down-regulating domain as well as the SAMP repeat/axin binding domain (Azzopardi 2008). In silico analyses predict that this variant is probably damaging to protein structure and function. Based on currently available evidence, it is unclear whether APC Pro1780Gln is a pathogenic or benign variant. We consider it to be a variant of uncertain significance.